The following is an entry in ClinVar:

ClinVar aggregate classification (germline): Uncertain significance (1 of 4 stars; one submission).

Conditions:
Retinoblastoma (RB1). Also called: RETINOBLASTOMA, SOMATIC. Identifiers: Orphanet 790, MedGen C0035335, MeSH D012175, MONDO:0008380, OMIM 180200, HP:0009919. Disease mechanism: loss of function. Inheritance: Both sporadic and heritable forms are tested..

Submission:

Labcorp Genetics (formerly Invitae), Labcorp
Classification: Uncertain significance for Retinoblastoma. Last evaluated: 2026-01-21. Review status: criteria provided, single submitter. Criteria: Invitae Variant Classification Sherloc (09022015). Collection method: clinical testing. Allele origin: germline.
Comment: This variant occurs in a non-coding region of the RB1 gene. It does not change the encoded amino acid sequence of the RB1 protein. This variant is not present in population databases (gnomAD no frequency). This variant has not been reported in the literature in individuals affected with RB1-related conditions. Experimental studies and prediction algorithms are not available or were not evaluated, and the functional significance of this variant is currently unknown. In summary, the available evidence is currently insufficient to determine the role of this variant in disease. Therefore, it has been classified as a Variant of Uncertain Significance.

NC_000013.11:g.48303745G>A

Gene: RB1 (RB transcriptional corepressor 1; plus strand). Cytogenetic location: 13q14.2.
Variant type: single nucleotide variant.
Genome position: GRCh38 VCF-style: chr13-48303745-G-A. GRCh37 (hg19) VCF-style: chr13-48877881-G-A.
Identifiers: ClinVar variation 2754025 (VCV002754025.3), dbSNP rs2542092003, ClinGen allele CA2622977086.